The following is an entry in ClinVar:

NM_005068.3(SIM1):c.1648C>T (p.Arg550Cys)

Gene: SIM1 (SIM bHLH transcription factor 1; minus strand). Cytogenetic location: 6q16.3.
Variant type: single nucleotide variant.
Coding change: c.1648C>T on transcript NM_005068.3 (MANE Select); coding-DNA position 1648, C replaced by T.
Protein change: p.Arg550Cys; replaces arginine 550 with cysteine.
Molecular consequence: missense variant.
Genome position (GRCh38, 1-based): chr6:100,391,014, G>A on the plus strand (C>T on the coding strand, the complement: SIM1 is on the minus strand). VCF-style: chr6-100391014-G-A. GRCh37 (hg19) VCF-style: chr6-100838890-G-A.
Other names: c.1648C>T, p.Arg550Cys (NM_001374769.1); short protein forms R550C.
Identifiers: ClinVar variation 3352952 (VCV003352952.1).

ClinVar aggregate classification (germline): Uncertain significance (0 of 4 stars; one submission).

Conditions:
SIM1-related disorder. Also called: SIM1-related condition; SIM1-related disorders.

gnomAD v4.1: 25 of 1,614,058 alleles (0.0015%); highest among the groups gnomAD compares: African/African-American, 0.0027%; no homozygotes.

Submission:

PreventionGenetics, part of Exact Sciences
Classification: Uncertain significance for SIM1-related condition. Last evaluated: 2024-07-08. Review status: no assertion criteria provided. Collection method: clinical testing. Allele origin: germline.
Comment: The SIM1 c.1648C>T variant is predicted to result in the amino acid substitution p.Arg550Cys. To our knowledge, this variant has not been reported in the literature. This variant is reported in 0.0026% of alleles in individuals of European (Non-Finnish) descent in gnomAD. A different amino acid change at this position (p.Arg550His) was previously reported in association with obesity (Ramachandrappa et al. 2013. PubMed ID: 23778139; Table S1, Kleinendorst et al. 2018. PubMed ID: 29970488). At this time, the clinical significance of this variant is uncertain due to the absence of conclusive functional and genetic evidence.